The following is an entry in ClinVar:

NM_001130987.2(DYSF):c.1104_1105del (p.Leu369fs)

Gene: DYSF (dysferlin; plus strand). Cytogenetic location: 2p13.2.
Variant type: Deletion.
Coding change: c.1104_1105del on transcript NM_001130987.2 (MANE Select); coding-DNA positions 1104 to 1105, 2 bases deleted (CC; older notation c.1104_1105delCC).
Protein change: p.Leu369fs; shifts the reading frame from leucine 369.
Molecular consequence: frameshift variant.
Genome position (GRCh38, 1-based): chr2:71,520,859-71,520,860, CC deleted. VCF-style (leftmost placement, unchanged base first): chr2-71520858-ACC-A. GRCh37 (hg19) VCF-style: chr2-71747988-ACC-A.
Other names: c.1011_1012del, p.Leu338fs (NM_001130455.2, NM_001130983.2, NM_001130984.2 and 1 more transcripts); c.1008_1009del, p.Leu337fs (NM_001130976.2, NM_001130977.2, NM_001130978.2 and 1 more transcripts); c.1101_1102del, p.Leu368fs (NM_001130979.2, NM_001130980.2, NM_001130981.2); c.1104_1105del, p.Leu369fs (NM_001130982.2, NM_001130985.2); short protein forms L369fs, L368fs, L337fs, L338fs.
Identifiers: ClinVar variation 2119768 (VCV002119768.4), dbSNP rs2545459725, ClinGen allele CA2580067787.

ClinVar aggregate classification (germline): Pathogenic (1 of 4 stars; one submission).

Conditions:
Neuromuscular disease caused by qualitative or quantitative defects of dysferlin. Also called: Qualitative or quantitative defects of dysferlin; Dysferlinopathy. Identifiers: Orphanet 207073, MedGen C2931687, MONDO:0016145.

Submission:

Labcorp Genetics (formerly Invitae), Labcorp
Classification: Pathogenic for Neuromuscular disease caused by qualitative or quantitative defects of dysferlin. Last evaluated: 2022-04-07. Review status: criteria provided, single submitter. Criteria: Invitae Variant Classification Sherloc (09022015). Collection method: clinical testing. Allele origin: germline.
Comment: This sequence change creates a premature translational stop signal (p.Leu337Glufs*22) in the DYSF gene. It is expected to result in an absent or disrupted protein product. Loss-of-function variants in DYSF are known to be pathogenic (PMID: 17698709, 20301480). This variant is not present in population databases (gnomAD no frequency). This variant has not been reported in the literature in individuals affected with DYSF-related conditions. For these reasons, this variant has been classified as Pathogenic.

Literature cited by the submitters: PubMed 17698709; PubMed 20301480.